The following is an entry in ClinVar:

ClinVar aggregate classification (germline): Pathogenic (1 of 4 stars; one submission).

Conditions:
Retinoblastoma (RB1). Also called: RETINOBLASTOMA, SOMATIC. Identifiers: Orphanet 790, MedGen C0035335, MeSH D012175, MONDO:0008380, OMIM 180200, HP:0009919. Disease mechanism: loss of function. Inheritance: Both sporadic and heritable forms are tested..

Submission:

Genetic Diagnostic Laboratory, University of Pennsylvania School of Medicine
Classification: Pathogenic for Retinoblastoma. Last evaluated: 2024-05-20. Review status: criteria provided, single submitter. Criteria: ACMG Guidelines, 2015. Collection method: clinical testing. Allele origin: germline. Affected: yes. Observed: 1 variant allele.
Comment: Case and Pedigree Information: BILATERAL CASES:1, UNILATERAL CASES:0, TOTAL CASES:1, PEDIGREES:1. ACMG Codes Applied:PVS1, PM2

NM_000321.3(RB1):c.1425del (p.Lys475fs)

Gene: RB1 (RB transcriptional corepressor 1; plus strand). Cytogenetic location: 13q14.2.
Variant type: Deletion.
Coding change: c.1425del on transcript NM_000321.3 (MANE Select); coding-DNA position 1425, one base deleted (A; older notation c.1425delA).
Protein change: p.Lys475fs; shifts the reading frame from lysine 475.
Molecular consequence: frameshift variant.
Genome position (GRCh38, 1-based): chr13:48,380,168, A deleted; the last of 3 consecutive A bases (chr13:48,380,166-48,380,168); deleting any one gives the same sequence. VCF-style (leftmost placement, unchanged base first): chr13-48380165-CA-C. GRCh37 (hg19) VCF-style: chr13-48954301-CA-C.
Other names: c.1425del, p.Lys475fs (NM_001407165.1, NM_001407166.1); short protein forms K475fs.
Identifiers: ClinVar variation 3236987 (VCV003236987.1), dbSNP rs2542204520.